The following is an entry in ClinVar:

NM_002890.3(RASA1):c.1703G>A (p.Trp568Ter)

Genes: CCNH (cyclin H; minus strand), RASA1 (RAS p21 protein activator 1; plus strand). Cytogenetic location: 5q14.3.
Variant type: single nucleotide variant.
Coding change: c.1703G>A on transcript NM_002890.3 (MANE Select); coding-DNA position 1703, G replaced by A.
Protein change: p.Trp568Ter; replaces tryptophan 568 with a stop codon.
Molecular consequence: nonsense. On other transcripts: intron variant (1).
Genome position (GRCh38, 1-based): chr5:87,372,122, G>A. VCF-style: chr5-87372122-G-A. GRCh37 (hg19) VCF-style: chr5-86667939-G-A.
Other names: c.1172G>A, p.Trp391Ter (NM_022650.3); c.933+22922C>T (NM_001364075.2); short protein forms W391*, W568*.
Identifiers: ClinVar variation 811705 (VCV000811705.8), dbSNP rs1580375996, ClinGen allele CA360372965.
Genomic context (GRCh38, chr5:87,372,122, plus strand): 5'-TTTGGAAGCCAAATAAACTAGTGTATATTTCTTTGAAGTGCTGTTTTTCTTTGCAGGATT[G>A]GATGAAAGGTCTGCAGGCATTTTGCAATTTACGGAAAAGTAGTCCAGGGACATCCAATAA-3'

ClinVar aggregate classification (germline): Pathogenic (1 of 4 stars; one submission).

Submission:

ARUP Laboratories, Molecular Genetics and Genomics, ARUP Laboratories
Classification: Pathogenic. Last evaluated: 2018-07-06. Review status: criteria provided, single submitter. Criteria: ARUP Molecular Germline Variant Investigation Process. Collection method: clinical testing. Allele origin: germline.
Comment: The RASA1 c.1703G>A; p.Trp568Ter variant, is reported in the literature in one individual affected with capillary malformation-arteriovenous malformation (Lapinksi 2018). This variant is absent from general population databases (1000 Genomes Project, Exome Variant Server, and Genome Aggregation Database), indicating it is not a common polymorphism. It induces an early termination codon and is predicted to result in a truncated protein or mRNA subject to nonsense-mediated decay. Truncating, loss-of-function variants in RASA1 are an established mechanism of disease, and such variants located downstream of the c.1703G>A; p.Trp568Ter variant have been identified in affected patients (Eerola 2003, Hershkovitz, 2008, Lapinski 2018, Revencu 2008). Based on available information, this variant is considered to be pathogenic. References: Eerola I et al. Capillary malformation-arteriovenous malformation, a new clinical and genetic disorder caused by RASA1 mutations. Am J Hum Genet. 2003 Dec;73(6):1240-9. Hershkovitz D et al. RASA1 mutations may cause hereditary capillary malformations without arteriovenous malformations. Br J Dermatol. 2008 May;158(5):1035-40. Lapinski PE et al. Somatic second hit mutation of RASA1 in vascular endothelial cells in capillary malformation-arteriovenous malformation. Eur J Med Genet. 2018 Jan;61(1):11-16. Revencu N et al. Parkes Weber syndrome, vein of Galen aneurysmal malformation, and other fast-flow vascular anomalies are caused by RASA1 mutations. Hum Mutat. 2008 Jul;29(7):959-65.